The following is an entry in ClinVar:

ClinVar aggregate classification (germline): Pathogenic. Review status: criteria provided, multiple submitters, no conflicts (2 of 4 stars). 7 submissions from 7 submitters: Pathogenic (7). Last evaluated 2024-08-08.

Conditions:
Lynch syndrome. Identifiers: Orphanet 144, MedGen C4552100, MONDO:0005835. Disease mechanism: loss of function.
Hereditary nonpolyposis colorectal neoplasms. Identifiers: MedGen C0009405, MeSH D003123.
Lynch syndrome 5 (LYNCH5). Also called: Hereditary non-polyposis colorectal cancer, type 5; Colorectal cancer, hereditary nonpolyposis, type 5. Identifiers: Orphanet 144, MedGen C1833477, MONDO:0013710, OMIM 614350. Disease mechanism: loss of function.
Hereditary cancer-predisposing syndrome. Also called: Tumor predisposition; Hereditary Cancer Syndrome; Neoplastic Syndromes, Hereditary; Hereditary neoplastic syndrome. Identifiers: Orphanet 140162, MedGen C0027672, MeSH D009386, MONDO:0015356.

Submissions (7):

Ambry Genetics
Classification: Pathogenic for Hereditary cancer-predisposing syndrome. Last evaluated: 2024-08-08. Review status: criteria provided, single submitter. Criteria: Ambry Variant Classification Scheme 2023. Collection method: clinical testing. Allele origin: germline.
Comment: The p.L634* pathogenic mutation (also known as c.1901T>A), located in coding exon 4 of the MSH6 gene, results from a T to A substitution at nucleotide position 1901. This changes the amino acid from a leucine to a stop codon within coding exon 4. This variant is considered to be rare based on population cohorts in the Genome Aggregation Database (gnomAD). This alteration is expected to result in loss of function by premature protein truncation or nonsense-mediated mRNA decay. As such, this alteration is interpreted as a disease-causing mutation.

Labcorp Genetics (formerly Invitae), Labcorp
Classification: Pathogenic for Hereditary nonpolyposis colorectal neoplasms. Last evaluated: 2024-04-15. Review status: criteria provided, single submitter. Criteria: Invitae Variant Classification Sherloc (09022015). Collection method: clinical testing. Allele origin: germline.
Comment: This sequence change creates a premature translational stop signal (p.Leu634*) in the MSH6 gene. It is expected to result in an absent or disrupted protein product. Loss-of-function variants in MSH6 are known to be pathogenic (PMID: 18269114, 24362816). This variant is not present in population databases (gnomAD no frequency). This premature translational stop signal has been observed in individual(s) with endometrial cancer (PMID: 12732731, 15098177). ClinVar contains an entry for this variant (Variation ID: 619873). For these reasons, this variant has been classified as Pathogenic.

Myriad Genetics, Inc.
Classification: Pathogenic for Lynch syndrome 5. Last evaluated: 2023-08-16. Review status: criteria provided, single submitter. Criteria: Myriad Autosomal Dominant, Autosomal Recessive and X-Linked Classification Criteria (2023). Collection method: clinical testing. Allele origin: unknown.
Comment: This variant is considered pathogenic. This variant creates a termination codon and is predicted to result in premature protein truncation.

All of Us Research Program, National Institutes of Health
Classification: Pathogenic for Lynch syndrome. Last evaluated: 2023-06-20. Review status: criteria provided, single submitter. Criteria: ACMG Guidelines, 2015. Collection method: clinical testing. Allele origin: germline. Inheritance: Autosomal dominant inheritance. Observed: 1 variant allele, 1 heterozygote.
Comment: This variant is predicted to result in loss of protein function through nonsense-mediated or protein truncation. Loss of function is an established mechanism of disease. This variant is absent from large population databases, including the Genome Aggregation Database. To date, this variant has not been reported in association with MSH6-related disease in the medical literature. A different variant (c.1901_1902del) that results in p.Leu634Ter has been reported in association with Lynch syndrome (PMID: 12732731; ClinVar ID 89232).

This study involves interpretation of variants in research participants for the purpose of population health screening. Participant phenotype was not available at the time of variant classification. Additional details can be found in publication PMID: 35346344, PMCID: PMC8962531

GeneDx
Classification: Pathogenic. Last evaluated: 2022-06-17. Review status: criteria provided, single submitter. Criteria: GeneDx Variant Classification Process June 2021. Collection method: clinical testing. Allele origin: germline. Affected: yes.
Comment: Nonsense variant predicted to result in protein truncation or nonsense mediated decay in a gene for which loss-of-function is a known mechanism of disease; Not observed at significant frequency in large population cohorts (gnomAD); Truncating variants in this gene are considered pathogenic by a well-established clinical consortium and/or database; Has not been previously published as pathogenic or benign to our knowledge

Color Diagnostics, LLC DBA Color Health
Classification: Pathogenic for Hereditary cancer-predisposing syndrome. Last evaluated: 2020-11-23. Review status: criteria provided, single submitter. Criteria: ACMG Guidelines, 2015. Collection method: clinical testing. Allele origin: germline.
Comment: This variant changes 1 nucleotide in exon 4 of the MSH6 gene, creating a premature translation stop signal. This variant is expected to result in an absent or non-functional protein product. To our knowledge, this variant has not been reported in individuals affected with hereditary cancer in the literature. This variant has not been identified in the general population by the Genome Aggregation Database (gnomAD). Loss of MSH6 function is a known mechanism of disease. Based on the available evidence, this variant is classified as Pathogenic.

Quest Diagnostics Nichols Institute San Juan Capistrano
Classification: Pathogenic. Last evaluated: 2018-01-08. Review status: criteria provided, single submitter. Criteria: Quest Diagnostics criteria. Collection method: clinical testing. Allele origin: germline.

Literature cited by the submitters: PubMed 18269114 (cited by Labcorp Genetics (formerly Invitae), Labcorp); PubMed 24362816 (cited by Labcorp Genetics (formerly Invitae), Labcorp); PubMed 12732731 (cited by Labcorp Genetics (formerly Invitae), Labcorp and All of Us Research Program, National Institutes of Health); PubMed 15098177 (cited by Labcorp Genetics (formerly Invitae), Labcorp).

NM_000179.3(MSH6):c.1901T>A (p.Leu634Ter)

Gene: MSH6 (mutS homolog 6; plus strand). Cytogenetic location: 2p16.3.
Variant type: single nucleotide variant.
Coding change: c.1901T>A on transcript NM_000179.3 (MANE Select); coding-DNA position 1901, T replaced by A.
Protein change: p.Leu634Ter; replaces leucine 634 with a stop codon.
Molecular consequence: nonsense.
Genome position (GRCh38, 1-based): chr2:47,799,884, T>A. VCF-style: chr2-47799884-T-A. GRCh37 (hg19) VCF-style: chr2-48027023-T-A.
Other names: c.1511T>A, p.Leu504Ter (NM_001281492.2); c.995T>A, p.Leu332Ter (NM_001281493.2, NM_001281494.2); short protein forms L634*, L504*, L332*.
Identifiers: ClinVar variation 619873 (VCV000619873.21), dbSNP rs63751097, ClinGen allele CA46709903.